The following is an entry in ClinVar:

ClinVar aggregate classification (germline): Uncertain significance (1 of 4 stars; one submission).

Conditions:
Cardiovascular phenotype. Identifiers: MedGen CN230736.

Submission:

Ambry Genetics
Classification: Uncertain significance for Cardiovascular phenotype. Last evaluated: 2025-04-05. Review status: criteria provided, single submitter. Criteria: Ambry Variant Classification Scheme 2023. Collection method: clinical testing. Allele origin: germline.
Comment: The p.D1930G variant (also known as c.5789A>G), located in coding exon 27 of the SCN10A gene, results from an A to G substitution at nucleotide position 5789. The aspartic acid at codon 1930 is replaced by glycine, an amino acid with similar properties. This amino acid position is conserved. In addition, the in silico prediction for this alteration is inconclusive. Based on the available evidence, the clinical significance of this variant remains unclear.

NM_006514.4(SCN10A):c.5789A>G (p.Asp1930Gly)

Gene: SCN10A (sodium voltage-gated channel alpha subunit 10; minus strand). Cytogenetic location: 3p22.2.
Variant type: single nucleotide variant.
Coding change: c.5789A>G on transcript NM_006514.4 (MANE Select); coding-DNA position 5789, A replaced by G.
Protein change: p.Asp1930Gly; replaces aspartic acid 1930 with glycine.
Molecular consequence: missense variant.
Genome position (GRCh38, 1-based): chr3:38,697,431, T>C on the plus strand (A>G on the coding strand, the complement: SCN10A is on the minus strand). VCF-style: chr3-38697431-T-C. GRCh37 (hg19) VCF-style: chr3-38738922-T-C.
Other names: c.5786A>G, p.Asp1929Gly (NM_001293306.2); c.5495A>G, p.Asp1832Gly (NM_001293307.2); short protein forms D1929G, D1832G, D1930G.
Identifiers: ClinVar variation 3950858 (VCV003950858.1).